The following is an entry in ClinVar:

NM_001134673.4(NFIA):c.539C>T (p.Ala180Val)

Gene: NFIA (nuclear factor I A; plus strand). Cytogenetic location: 1p31.3.
Variant type: single nucleotide variant.
Coding change: c.539C>T on transcript NM_001134673.4 (MANE Select); coding-DNA position 539, C replaced by T.
Protein change: p.Ala180Val; replaces alanine 180 with valine.
Molecular consequence: missense variant.
Genome position (GRCh38, 1-based): chr1:61,088,660, C>T. VCF-style: chr1-61088660-C-T. GRCh37 (hg19) VCF-style: chr1-61554332-C-T.
Other names: c.515C>T, p.Ala172Val (NM_001145511.2); c.674C>T, p.Ala225Val (NM_001145512.2); c.539C>T, p.Ala180Val (NM_005595.5); short protein forms A172V, A180V, A225V.
Identifiers: ClinVar variation 3378183 (VCV003378183.1).
Genomic context (GRCh38, chr1:61,088,660, plus strand): 5'-GGCTCTGTGTCCAACCCCATCACATAGGGGTTTCTGTTAAGGAACTCGATTTATATTTGG[C>T]ATACTTTGTGCATGCAGCAGGTAAGTGCGATGGTGAGAATTCCTCCCACTTTCTTGTGTG-3'
Protein context (NP_001128145.1, residues 170-190): VSVKELDLYL[Ala180Val]YFVHAADSSQ

ClinVar aggregate classification (germline): Uncertain significance (1 of 4 stars; one submission).

Submission:

GeneDx
Classification: Uncertain significance. Last evaluated: 2024-05-13. Review status: criteria provided, single submitter. Criteria: GeneDx Variant Classification Process June 2021. Collection method: clinical testing. Allele origin: germline. Affected: yes.
Comment: Not observed at significant frequency in large population cohorts (gnomAD); In silico analysis supports that this missense variant has a deleterious effect on protein structure/function; Has not been previously published as pathogenic or benign to our knowledge